The following is an entry in ClinVar:

NM_001006658.3(CR2):c.1459G>A (p.Val487Ile)

Gene: CR2 (complement C3d receptor 2; plus strand). Cytogenetic location: 1q32.2.
Variant type: single nucleotide variant.
Coding change: c.1459G>A on transcript NM_001006658.3 (MANE Select); coding-DNA position 1459, G replaced by A.
Protein change: p.Val487Ile; replaces valine 487 with isoleucine.
Molecular consequence: missense variant.
Genome position (GRCh38, 1-based): chr1:207,471,053, G>A. VCF-style: chr1-207471053-G-A. GRCh37 (hg19) VCF-style: chr1-207644398-G-A.
Other names: c.1459G>A, p.Val487Ile (NM_001877.5); short protein forms V487I.
Identifiers: ClinVar variation 2132187 (VCV002132187.4), dbSNP rs1658263070, ClinGen allele CA344531020.
Genomic context (GRCh38, chr1:207,471,053, plus strand): 5'-TTAGTGGCAGCGTGTGAAGCTACAGGAAGGCAACTCTTGACAAAACCCCAGCACCAATTT[G>A]TTAGACCAGATGTCAACTCTTCTTGTGGTGAAGGGTGAGTGAAGGCTGACTTAGTCTGAC-3'
Protein context (NP_001006659.1, residues 477-497): QLLTKPQHQF[Val487Ile]RPDVNSSCGE

ClinVar aggregate classification (germline): Uncertain significance (1 of 4 stars; one submission).

Conditions:
Immunodeficiency, common variable, 7. Identifiers: Orphanet 1572, Orphanet 696894, MedGen C3542922, MONDO:0013862, OMIM 614699.

Allele frequency attached by ClinVar (database versions not stated): gnomAD exomes below 0.00001.
gnomAD v4.1: 1 of 1,613,752 alleles (0.000062%); highest among the groups gnomAD compares: African/African-American, 0.0013%; no homozygotes.

Submission:

Labcorp Genetics (formerly Invitae), Labcorp
Classification: Uncertain significance for Immunodeficiency, common variable, 7. Last evaluated: 2023-08-17. Review status: criteria provided, single submitter. Criteria: Invitae Variant Classification Sherloc (09022015). Collection method: clinical testing. Allele origin: germline.
Comment: In summary, the available evidence is currently insufficient to determine the role of this variant in disease. Therefore, it has been classified as a Variant of Uncertain Significance. Algorithms developed to predict the effect of missense changes on protein structure and function output the following: SIFT: "Not Available"; PolyPhen-2: "Benign"; Align-GVGD: "Not Available". The isoleucine amino acid residue is found in multiple mammalian species, which suggests that this missense change does not adversely affect protein function. ClinVar contains an entry for this variant (Variation ID: 2132187). This variant has not been reported in the literature in individuals affected with CR2-related conditions. This variant is not present in population databases (gnomAD no frequency). This sequence change replaces valine, which is neutral and non-polar, with isoleucine, which is neutral and non-polar, at codon 487 of the CR2 protein (p.Val487Ile).